The following is an entry in ClinVar:

ClinVar aggregate classification (germline): Uncertain significance (1 of 4 stars; one submission).

Conditions:
Hereditary cancer-predisposing syndrome. Also called: Neoplastic Syndromes, Hereditary; Tumor predisposition; Hereditary Cancer Syndrome; Hereditary neoplastic syndrome. Identifiers: Orphanet 140162, MedGen C0027672, MeSH D009386, MONDO:0015356.

Submission:

Ambry Genetics
Classification: Uncertain significance for Hereditary cancer-predisposing syndrome. Last evaluated: 2026-04-02. Review status: criteria provided, single submitter. Criteria: Ambry Variant Classification Scheme 2023. Collection method: clinical testing. Allele origin: germline.
Comment: The p.K499E variant (also known as c.1495A>G), located in coding exon 9 of the KIT gene, results from an A to G substitution at nucleotide position 1495. The lysine at codon 499 is replaced by glutamic acid, an amino acid with similar properties. This amino acid position is conserved. In addition, this alteration is predicted to be tolerated by in silico analysis. Based on the available evidence, the clinical significance of this variant remains unclear.

NM_000222.3(KIT):c.1495A>G (p.Lys499Glu)

Gene: KIT (KIT proto-oncogene, receptor tyrosine kinase; plus strand). Cytogenetic location: 4q12.
Variant type: single nucleotide variant.
Coding change: c.1495A>G on transcript NM_000222.3 (MANE Select); coding-DNA position 1495, A replaced by G.
Protein change: p.Lys499Glu; replaces lysine 499 with glutamic acid.
Molecular consequence: missense variant.
Genome position (GRCh38, 1-based): chr4:54,726,005, A>G. VCF-style: chr4-54726005-A-G. GRCh37 (hg19) VCF-style: chr4-55592171-A-G.
Other names: c.1495A>G, p.Lys499Glu (NM_001093772.2, NM_001385285.1, NM_001385286.1); c.1498A>G, p.Lys500Glu (NM_001385284.1, NM_001385288.1, NM_001385290.1 and 1 more transcripts); short protein forms K499E, K500E.
Identifiers: ClinVar variation 4858930 (VCV004858930.1).